The following is an entry in ClinVar:

ClinVar aggregate classification (germline): Likely benign (0 of 4 stars; one submission).

Conditions:
RET-related disorder. Also called: RET-related disorders; RET-related condition; RET-related disease.

Submission:

PreventionGenetics, part of Exact Sciences
Classification: Likely benign for RET-related condition. Last evaluated: 2024-03-09. Review status: no assertion criteria provided. Collection method: clinical testing. Allele origin: germline.
Comment: This variant is classified as likely benign based on ACMG/AMP sequence variant interpretation guidelines (Richards et al. 2015 PMID: 25741868, with internal and published modifications).

NM_020975.6(RET):c.1680C>G (p.Pro560=)

Gene: RET (ret proto-oncogene; plus strand). Cytogenetic location: 10q11.21.
Variant type: single nucleotide variant.
Coding change: c.1680C>G on transcript NM_020975.6 (MANE Select); coding-DNA position 1680, C replaced by G.
Protein change: p.Pro560=; no amino-acid change (proline 560 retained).
Molecular consequence: synonymous variant.
Genome position (GRCh38, 1-based): chr10:43,112,884, C>G. VCF-style: chr10-43112884-C-G. GRCh37 (hg19) VCF-style: chr10-43608332-C-G.
Other names: c.495C>G, p.Pro165= (NM_001406789.1, NM_001406790.1, NM_001406791.1 and 1 more transcripts); c.231C>G, p.Pro77= (NM_001406792.1, NM_001406793.1, NM_001406794.1); c.1680C>G, p.Pro560= (NM_020630.7, NM_001406743.1, NM_001406744.1 and 4 more transcripts); c.918C>G, p.Pro306= (NM_001355216.2); c.1551C>G, p.Pro517= (NM_001406761.1, NM_001406762.1, NM_001406764.1 and 1 more transcripts); c.1392C>G, p.Pro464= (NM_001406766.1, NM_001406767.1, NM_001406770.1); c.1284C>G, p.Pro428= (NM_001406769.1, NM_001406772.1); c.1242C>G, p.Pro414= (NM_001406771.1, NM_001406773.1); and 5 more.
Identifiers: ClinVar variation 3349076 (VCV003349076.1).
Genomic context (GRCh38, chr10:43,112,884, plus strand): 5'-GGTGACAGCCTGCTGTGTGTCCTGTGCAGGGATCACCAGGAACTTCTCCACCTGCTCTCC[C>G]AGCACCAAGACCTGCCCCGACGGCCACTGCGATGTTGTGGAGACCCAAGACATCAACATT-3'
Protein context (NP_066124.1, residues 550-570): GITRNFSTCS[Pro560=]STKTCPDGHC